The following is an entry in ClinVar:

ClinVar aggregate classification (germline): Uncertain significance (1 of 4 stars; one submission).

Allele frequency attached by ClinVar (database versions not stated): gnomAD exomes below 0.00001.
gnomAD v4.1: 6 of 1,613,698 alleles (0.00037%); highest among the groups gnomAD compares: South Asian, 0.0055%; no homozygotes.

Submission:

Labcorp Genetics (formerly Invitae), Labcorp
Classification: Uncertain significance. Last evaluated: 2024-01-22. Review status: criteria provided, single submitter. Criteria: Invitae Variant Classification Sherloc (09022015). Collection method: clinical testing. Allele origin: germline.
Comment: This sequence change replaces alanine, which is neutral and non-polar, with valine, which is neutral and non-polar, at codon 316 of the C3 protein (p.Ala316Val). This variant is not present in population databases (gnomAD no frequency). This variant has not been reported in the literature in individuals affected with C3-related conditions. Advanced modeling of protein sequence and biophysical properties (such as structural, functional, and spatial information, amino acid conservation, physicochemical variation, residue mobility, and thermodynamic stability) performed at Invitae indicates that this missense variant is not expected to disrupt C3 protein function with a negative predictive value of 80%. In summary, the available evidence is currently insufficient to determine the role of this variant in disease. Therefore, it has been classified as a Variant of Uncertain Significance.

NM_000064.4(C3):c.947C>T (p.Ala316Val)

Gene: C3 (complement C3; minus strand). Cytogenetic location: 19p13.3.
Variant type: single nucleotide variant.
Coding change: c.947C>T on transcript NM_000064.4 (MANE Select); coding-DNA position 947, C replaced by T.
Protein change: p.Ala316Val; replaces alanine 316 with valine.
Molecular consequence: missense variant.
Genome position (GRCh38, 1-based): chr19:6,713,245, G>A on the plus strand (C>T on the coding strand, the complement: C3 is on the minus strand). VCF-style: chr19-6713245-G-A. GRCh37 (hg19) VCF-style: chr19-6713256-G-A.
Other names: short protein forms A316V.
Identifiers: ClinVar variation 2881190 (VCV002881190.3), dbSNP rs2512265322, ClinGen allele CA403642160.
Genomic context (GRCh38, chr19:6,713,245, plus strand): 5'-TCACCTGAGTGCAAGATGACGGTGGCAGACACGTACAAAGACTTCCCCACCAGGTCTTCT[G>A]CTCGGGGGTTCTGCACCCCGTCCAGCAGTACCTTCCGGCTCAGCACAACCTCCCCCGAGC-3'
Protein context (NP_000055.2, residues 306-326): VLLDGVQNPR[Ala316Val]EDLVGKSLYV